The following is an entry in ClinVar:

NM_001375524.1(TRRAP):c.1471C>T (p.Pro491Ser)

Gene: TRRAP (transformation/transcription domain associated protein; plus strand). Cytogenetic location: 7q22.1.
Variant type: single nucleotide variant.
Coding change: c.1471C>T on transcript NM_001375524.1 (MANE Select); coding-DNA position 1471, C replaced by T.
Protein change: p.Pro491Ser; replaces proline 491 with serine.
Molecular consequence: missense variant.
Genome position (GRCh38, 1-based): chr7:98,910,176, C>T. VCF-style: chr7-98910176-C-T. GRCh37 (hg19) VCF-style: chr7-98507799-C-T.
Other names: c.1471C>T, p.Pro491Ser (NM_001244580.2, NM_003496.4); c.1471C>T (NM_001244580.1); short protein forms P491S.
Identifiers: ClinVar variation 2956799 (VCV002956799.3), dbSNP rs782093854, ClinGen allele CA4359525.

ClinVar aggregate classification (germline): Conflicting classifications of pathogenicity. Review status: criteria provided, conflicting classifications (1 of 4 stars). 2 submissions from 2 submitters: Uncertain significance (1); Likely benign (1). Last evaluated 2025-01-22.

Conditions:
Inborn genetic diseases. Identifiers: MedGen C0950123, MeSH D030342.

Allele frequency attached by ClinVar (database versions not stated): ExAC 0.00003; gnomAD 0.00011; TOPMed 0.00012.
gnomAD v4.1: 28 of 1,610,780 alleles (0.0017%); highest among the groups gnomAD compares: African/African-American, 0.036%; no homozygotes.

Submissions (2):

Ambry Genetics
Classification: Likely benign for Inborn genetic diseases. Last evaluated: 2025-01-22. Review status: criteria provided, single submitter. Criteria: Ambry Variant Classification Scheme 2023. Collection method: clinical testing. Allele origin: germline.

Labcorp Genetics (formerly Invitae), Labcorp
Classification: Uncertain significance. Last evaluated: 2023-03-09. Review status: criteria provided, single submitter. Criteria: Invitae Variant Classification Sherloc (09022015). Collection method: clinical testing. Allele origin: germline.
Comment: This sequence change replaces proline, which is neutral and non-polar, with serine, which is neutral and polar, at codon 491 of the TRRAP protein (p.Pro491Ser). This variant is present in population databases (rs782093854, gnomAD 0.03%). This variant has not been reported in the literature in individuals affected with TRRAP-related conditions. Experimental studies and prediction algorithms are not available or were not evaluated, and the functional significance of this variant is currently unknown. In summary, the available evidence is currently insufficient to determine the role of this variant in disease. Therefore, it has been classified as a Variant of Uncertain Significance.